The following is an entry in ClinVar:

NM_000416.3(IFNGR1):c.586G>A (p.Asp196Asn)

Gene: IFNGR1 (interferon gamma receptor 1; minus strand). Cytogenetic location: 6q23.3.
Variant type: single nucleotide variant.
Coding change: c.586G>A on transcript NM_000416.3 (MANE Select); coding-DNA position 586, G replaced by A.
Protein change: p.Asp196Asn; replaces aspartic acid 196 with asparagine.
Molecular consequence: missense variant.
Genome position (GRCh38, 1-based): chr6:137,203,646, C>T on the plus strand (G>A on the coding strand, the complement: IFNGR1 is on the minus strand). VCF-style: chr6-137203646-C-T. GRCh37 (hg19) VCF-style: chr6-137524783-C-T.
Other names: c.556G>A, p.Asp186Asn (NM_001363526.1); c.463G>A, p.Asp155Asn (NM_001363527.1); short protein forms D155N, D186N, D196N.
Identifiers: ClinVar variation 2428106 (VCV002428106.5), dbSNP rs760189575, ClinGen allele CA4018919.
Genomic context (GRCh38, chr6:137,203,646, plus strand): 5'-AAACACAGTACTGAGAATTCAGTGAGGATACTGGAATCGCTAACTGGCACTGAATCTCGT[C>T]ACAATCATCTTCCTTCTGCGTGAGTATTTTATACTGGATCTAGATGAAAAAAGAAAACAG-3'
Protein context (NP_000407.1, residues 186-206): KILTQKEDDC[Asp196Asn]EIQCQLAIPV

ClinVar aggregate classification (germline): Uncertain significance (1 of 4 stars; one submission).

Conditions:
Disseminated atypical mycobacterial infection. Identifiers: MedGen C0694566.

Allele frequency attached by ClinVar (database versions not stated): ExAC 0.00001; gnomAD exomes 0.00003.

Submission:

Labcorp Genetics (formerly Invitae), Labcorp
Classification: Uncertain significance for Disseminated atypical mycobacterial infection. Last evaluated: 2025-10-14. Review status: criteria provided, single submitter. Criteria: Invitae Variant Classification Sherloc (09022015). Collection method: clinical testing. Allele origin: germline.
Comment: This sequence change replaces aspartic acid, which is acidic and polar, with asparagine, which is neutral and polar, at codon 196 of the IFNGR1 protein (p.Asp196Asn). This variant is present in population databases (rs760189575, gnomAD 0.002%). This variant has not been reported in the literature in individuals affected with IFNGR1-related conditions. ClinVar contains an entry for this variant (Variation ID: 2428106). Invitae Evidence Modeling of protein sequence and biophysical properties (such as structural, functional, and spatial information, amino acid conservation, physicochemical variation, residue mobility, and thermodynamic stability) indicates that this missense variant is not expected to disrupt IFNGR1 protein function with a negative predictive value of 80%. In summary, the available evidence is currently insufficient to determine the role of this variant in disease. Therefore, it has been classified as a Variant of Uncertain Significance.